The following is an entry in ClinVar:

NC_000021.9:g.43076233C>T

Gene: CBS (cystathionine beta-synthase; minus strand). Cytogenetic location: 21q22.3.
Variant type: single nucleotide variant.
Molecular consequence: 5 prime UTR variant (on NM_001178008.3).
Genome position: GRCh38 VCF-style: chr21-43076233-C-T. GRCh37 (hg19) VCF-style: chr21-44496343-C-T.
Other names: c.-93G>A (NM_001178008.3, NM_001178009.3, NM_001320298.2).
Identifiers: ClinVar variation 4982720 (VCV004982720.1).

ClinVar aggregate classification (germline): Likely benign (1 of 4 stars; one submission).

Conditions:
CBS-related disorder. Also called: CBS-related condition.

Submission:

PreventionGenetics, part of Exact Sciences
Classification: Likely benign for CBS-related condition. Last evaluated: 2024-11-15. Review status: criteria provided, single submitter. Criteria: ACMG Guidelines, 2015. Collection method: clinical testing. Allele origin: germline.
Comment: This variant is classified as likely benign based on ACMG/AMP sequence variant interpretation guidelines (Richards et al. 2015 PMID: 25741868, with internal and published modifications).